The following is an entry in ClinVar:

NM_005188.4(CBL):c.296T>C (p.Leu99Ser)

Gene: CBL (Cbl proto-oncogene; plus strand). Cytogenetic location: 11q23.3.
Variant type: single nucleotide variant.
Coding change: c.296T>C on transcript NM_005188.4 (MANE Select); coding-DNA position 296, T replaced by C.
Protein change: p.Leu99Ser; replaces leucine 99 with serine.
Molecular consequence: missense variant.
Genome position (GRCh38, 1-based): chr11:119,232,548, T>C. VCF-style: chr11-119232548-T-C. GRCh37 (hg19) VCF-style: chr11-119103258-T-C.
Other names: c.296T>C (NM_005188.2); short protein forms L99S.
Identifiers: ClinVar variation 878915 (VCV000878915.5), dbSNP rs1949511665, ClinGen allele CA382894670.
Genomic context (GRCh38, chr11:119,232,548, plus strand): 5'-ATAGCCCACCTTATATCTTAGACCTGCTACCAGATACCTACCAGCATCTCCGTACTATCT[T>C]GTCAAGATATGAGGGGAAGATGGAGACACTTGGAGAAAATGAGTATTTTAGGGTGTTTAT-3'
Protein context (NP_005179.2, residues 89-109): PDTYQHLRTI[Leu99Ser]SRYEGKMETL

ClinVar aggregate classification (germline): Uncertain significance. Review status: criteria provided, multiple submitters, no conflicts (2 of 4 stars). 2 submissions from 2 submitters: Uncertain significance (2). Last evaluated 2025-07-25.

Conditions:
Cardiovascular phenotype. Identifiers: MedGen CN230736.
CBL-related disorder. Also called: CBL MUTATION-ASSOCIATED SYNDROME; CBL SYNDROME; NOONAN SYNDROME-LIKE DISORDER WITHOUT JUVENILE MYELOMONOCYTIC LEUKEMIA. Identifiers: Orphanet 363972, MedGen C3150803, MONDO:0013308, OMIM 613563.

Submissions (2):

Ambry Genetics
Classification: Uncertain significance for Cardiovascular phenotype. Last evaluated: 2025-07-25. Review status: criteria provided, single submitter. Criteria: Ambry Variant Classification Scheme 2023. Collection method: clinical testing. Allele origin: germline.
Comment: The p.L99S variant (also known as c.296T>C), located in coding exon 2 of the CBL gene, results from a T to C substitution at nucleotide position 296. The leucine at codon 99 is replaced by serine, an amino acid with dissimilar properties. This amino acid position is conserved. In addition, the in silico prediction for this alteration is inconclusive. Based on the available evidence, the clinical significance of this variant remains unclear.

Illumina Laboratory Services, Illumina
Classification: Uncertain significance for CBL-related disorder. Last evaluated: 2018-01-13. Review status: criteria provided, single submitter. Criteria: ICSL Variant Classification Criteria 13 December 2019. Collection method: clinical testing. Allele origin: germline.